The following is an entry in ClinVar:

NM_002582.4(PARN):c.1192+5G>A

Gene: PARN (poly(A)-specific ribonuclease; minus strand). Cytogenetic location: 16p13.12.
Variant type: single nucleotide variant.
Coding change: c.1192+5G>A on transcript NM_002582.4 (MANE Select); 5 bases into the intron after coding-DNA position 1192, G replaced by A.
Molecular consequence: intron variant.
Genome position (GRCh38, 1-based): chr16:14,582,176, C>T on the plus strand (G>A on the coding strand, the complement: PARN is on the minus strand). VCF-style: chr16-14582176-C-T. GRCh37 (hg19) VCF-style: chr16-14676033-C-T.
Other names: c.1009+5G>A (NM_001134477.3); c.1054+5G>A (NM_001242992.2); c.1192+5G>A (NM_002582.3).
Identifiers: ClinVar variation 2159609 (VCV002159609.5), dbSNP rs144238272, ClinGen allele CA7912129.
Genomic context (GRCh38, chr16:14,582,176, plus strand): 5'-CCAGGAGACAGGTAAGATCCACCCTAGATCACTGCGTGTTTGACTGAAAGACATGTAATG[C>T]GTACCTAGGTAATTGGCCATGGAGATGAAGCACAGCCCTGTGATGTAGGCATCGTAGCCT-3'

ClinVar aggregate classification (germline): Benign/Likely benign. Review status: criteria provided, multiple submitters, no conflicts (2 of 4 stars). 2 submissions from 2 submitters: Benign (1); Likely benign (1). Last evaluated 2025-06-19.

Conditions:
PARN-related disorder. Also called: PARN-related condition; PARN-related disorders.
Dyskeratosis congenita, autosomal recessive 6 (DKCB6). Identifiers: MedGen C4225356, MONDO:0014600, OMIM 616353.
Pulmonary fibrosis and/or bone marrow failure, Telomere-related, 4. Also called: PULMONARY FIBROSIS AND/OR BONE MARROW FAILURE SYNDROME, TELOMERE-RELATED, 4. Identifiers: Orphanet 2032, MedGen C4225347, MONDO:0014612, OMIM 616371.

Allele frequency attached by ClinVar (database versions not stated): TOPMed 0.00003; ExAC 0.00027.
gnomAD v4.1: 164 of 1,554,482 alleles (0.011%); highest among the groups gnomAD compares: South Asian, 0.16%; 2 homozygotes.

Submissions (2):

Labcorp Genetics (formerly Invitae), Labcorp
Classification: Benign for Dyskeratosis congenita, autosomal recessive 6; Pulmonary fibrosis and/or bone marrow failure, Telomere-related, 4. Last evaluated: 2025-06-19. Review status: criteria provided, single submitter. Criteria: Invitae Variant Classification Sherloc (09022015). Collection method: clinical testing. Allele origin: germline.

PreventionGenetics, part of Exact Sciences
Classification: Likely benign for PARN-related condition. Last evaluated: 2025-01-17. Review status: criteria provided, single submitter. Criteria: ACMG Guidelines, 2015. Collection method: clinical testing. Allele origin: germline.
Comment: This variant is classified as likely benign based on ACMG/AMP sequence variant interpretation guidelines (Richards et al. 2015 PMID: 25741868, with internal and published modifications).